The following is an entry in ClinVar:

NM_006031.6(PCNT):c.721-1G>A

Gene: PCNT (pericentrin; plus strand). Cytogenetic location: 21q22.3.
Variant type: single nucleotide variant.
Coding change: c.721-1G>A on transcript NM_006031.6 (MANE Select); the canonical splice acceptor site of the intron before coding-DNA position 721, G replaced by A.
Molecular consequence: splice acceptor variant.
Genome position (GRCh38, 1-based): chr21:46,346,742, G>A. VCF-style: chr21-46346742-G-A. GRCh37 (hg19) VCF-style: chr21-47766656-G-A.
Other names: c.367-1G>A (NM_001315529.2).
Identifiers: ClinVar variation 3667387 (VCV003667387.3).

ClinVar aggregate classification (germline): Likely pathogenic (1 of 4 stars; one submission).

Submissions (2):

Labcorp Genetics (formerly Invitae), Labcorp
Classification: Likely pathogenic. Last evaluated: 2024-03-03. Review status: criteria provided, single submitter. Criteria: Invitae Variant Classification Sherloc (09022015). Collection method: clinical testing. Allele origin: germline.
Comment: This sequence change affects an acceptor splice site in intron 4 of the PCNT gene. It is expected to disrupt RNA splicing. Variants that disrupt the donor or acceptor splice site typically lead to a loss of protein function (PMID: 16199547), and loss-of-function variants in PCNT are known to be pathogenic (PMID: 18174396, 22821869). This variant is not present in population databases (gnomAD no frequency). This variant has not been reported in the literature in individuals affected with PCNT-related conditions. Algorithms developed to predict the effect of sequence changes on RNA splicing suggest that this variant may disrupt the consensus splice site. In summary, the currently available evidence indicates that the variant is pathogenic, but additional data are needed to prove that conclusively. Therefore, this variant has been classified as Likely Pathogenic.

Dr. Peter K. Rogan Lab, Western University
No classification provided (evidence only). Condition: Colon adenocarcinoma. Review status: no classification provided. Collection method: in vitro. Allele origin: not applicable. Functional consequence: retained intron. Not counted in ClinVar's aggregate classification.

Literature cited by the submitters: PubMed 16199547 (cited by Labcorp Genetics (formerly Invitae), Labcorp); PubMed 18174396 (cited by Labcorp Genetics (formerly Invitae), Labcorp); PubMed 22821869 (cited by Labcorp Genetics (formerly Invitae), Labcorp).